The following is an entry in ClinVar:

NM_020944.3(GBA2):c.2618G>A (p.Arg873His)

Gene: GBA2 (glucosylceramidase beta 2; minus strand). Cytogenetic location: 9p13.3.
Variant type: single nucleotide variant.
Coding change: c.2618G>A on transcript NM_020944.3 (MANE Select); coding-DNA position 2618, G replaced by A.
Protein change: p.Arg873His; replaces arginine 873 with histidine.
Molecular consequence: missense variant. On other transcripts: 3 prime UTR variant (1).
Genome position (GRCh38, 1-based): chr9:35,737,335, C>T on the plus strand (G>A on the coding strand, the complement: GBA2 is on the minus strand). VCF-style: chr9-35737335-C-T. GRCh37 (hg19) VCF-style: chr9-35737332-C-T.
Other names: c.*141G>A (NM_001330660.2); short protein forms R873H.
Identifiers: ClinVar variation 41490 (VCV000041490.4), dbSNP rs398123015, ClinGen allele CA130878.

ClinVar aggregate classification (germline): Pathogenic/Likely pathogenic. Review status: criteria provided, multiple submitters, no conflicts (2 of 4 stars). 4 submissions from 4 submitters: Pathogenic (2); Likely pathogenic (1). 1 of the submissions does not count toward it. Last evaluated 2020-06-19.

Conditions:
GBA2-related disorders.
Hereditary spastic paraplegia 46. Also called: Spastic paraplegia 46, autosomal recessive. Identifiers: Orphanet 320391, MedGen C2828721, MONDO:0013737, OMIM 614409.
Hereditary spastic paraplegia. Also called: Familial spastic paraparesis. Identifiers: Orphanet 685, MedGen C0037773, MONDO:0019064. Disease mechanism: loss of function.

Allele frequency attached by ClinVar (database versions not stated): gnomAD exomes below 0.00001; TOPMed below 0.00001.
gnomAD v4.1: 6 of 1,614,030 alleles (0.00037%); highest among the groups gnomAD compares: Admixed American, 0.0017%; no homozygotes.

Submissions (4):

Blueprint Genetics
Classification: Pathogenic for GBA2-related disorders. Last evaluated: 2020-06-19. Review status: criteria provided, single submitter. Criteria: ACMG Guidelines, 2015. Collection method: clinical testing. Allele origin: germline. Affected: yes. Observed: 2 variant alleles.

SIB Swiss Institute of Bioinformatics
Classification: Likely pathogenic for Hereditary spastic paraplegia 46. Last evaluated: 2019-01-25. Review status: criteria provided, single submitter. Criteria: ACMG Guidelines, 2015. Collection method: curation. Allele origin: unknown.
Comment: This variant is interpreted as a Likely pathogenic for Spastic paraplegia 46, autosomal recessive. The following ACMG Tag(s) were applied: PM2 : Absent from controls (or at extremely low frequency if recessive) in Exome Sequencing Project, 1000 Genomes Project, or Exome Aggregation Consortium. PS3-Moderate : Functional evidence PS3 downgraded in strength to Moderate (PMID:26220345). PP1 : Cosegregation with disease in multiple affected family members in a gene definitively known to cause the disease (PMID:23332917). PP3 : Multiple lines of computational evidence support a deleterious effect on the gene or gene product.

Unit for Genetic & Epidemiological Research on Neurological Disorders, Instituto de Investigação e Inovação em Saúde
Classification: Pathogenic for Hereditary spastic paraplegia. Last evaluated: 2017-03-07. Review status: criteria provided, single submitter. Criteria: Morais et al. (Eur J Hum Genet. 2017). Collection method: research. Allele origin: inherited. Affected: yes.

OMIM
Classification: Pathogenic for SPASTIC PARAPLEGIA 46, AUTOSOMAL RECESSIVE. Last evaluated: 2013-02-07. Review status: no assertion criteria provided. Collection method: literature only. Allele origin: germline. Not counted in ClinVar's aggregate classification.

Literature cited by the submitters: PubMed 23332917 (cited by SIB Swiss Institute of Bioinformatics and OMIM); PubMed 26220345 (cited by SIB Swiss Institute of Bioinformatics).